The following is an entry in ClinVar:

NM_006258.4(PRKG1):c.974C>A (p.Ala325Asp)

Gene: PRKG1 (protein kinase cGMP-dependent 1; plus strand). Cytogenetic location: 10q21.1.
Variant type: single nucleotide variant.
Coding change: c.974C>A on transcript NM_006258.4 (MANE Select); coding-DNA position 974, C replaced by A.
Protein change: p.Ala325Asp; replaces alanine 325 with aspartic acid.
Molecular consequence: missense variant. On other transcripts: 5 prime UTR variant (1).
Genome position (GRCh38, 1-based): chr10:52,133,878, C>A. VCF-style: chr10-52133878-C-A. GRCh37 (hg19) VCF-style: chr10-53893638-C-A.
Other names: c.929C>A, p.Ala310Asp (NM_001098512.3); c.-236C>A (NM_001374781.1); short protein forms A310D, A325D.
Identifiers: ClinVar variation 1768067 (VCV001768067.2), dbSNP rs2492331900, ClinGen allele CA376534363.

ClinVar aggregate classification (germline): Uncertain significance (1 of 4 stars; one submission).

Conditions:
Familial thoracic aortic aneurysm and aortic dissection (TAAD). Also called: Thoracic aortic aneurysms and dissections. Identifiers: Orphanet 91387, MedGen C4707243, MONDO:0019625.

Submission:

Ambry Genetics
Classification: Uncertain significance for Familial thoracic aortic aneurysm and aortic dissection. Last evaluated: 2021-10-12. Review status: criteria provided, single submitter. Criteria: Ambry Variant Classification Scheme 2023. Collection method: clinical testing. Allele origin: germline.
Comment: The p.A325D variant (also known as c.974C>A), located in coding exon 8 of the PRKG1 gene, results from a C to A substitution at nucleotide position 974. The alanine at codon 325 is replaced by aspartic acid, an amino acid with dissimilar properties. This amino acid position is conserved. In addition, this alteration is predicted to be deleterious by in silico analysis. Since supporting evidence is limited at this time, the clinical significance of this alteration remains unclear.